The following is an entry in ClinVar:

ClinVar aggregate classification (germline): Uncertain significance (1 of 4 stars; one submission).

Allele frequency attached by ClinVar (database versions not stated): gnomAD 0.00001; gnomAD exomes 0.00002.
gnomAD v4.1: 14 of 841,272 alleles (0.0017%); highest among the groups gnomAD compares: Non-Finnish European, 0.0029%; no homozygotes.

Submission:

GeneDx
Classification: Uncertain significance. Last evaluated: 2019-08-20. Review status: criteria provided, single submitter. Criteria: GeneDx Variant Classification Process June 2021. Collection method: clinical testing. Allele origin: germline. Affected: yes.
Comment: Has not been previously published as pathogenic or benign to our knowledge; In-silico analysis, which includes splice predictors and evolutionary conservation, is inconclusive as to whether the variant alters gene splicing. In the absence of RNA/functional studies, the actual effect of this sequence change is unknown.

NM_007078.3(LDB3):c.-24+5G>C

Gene: LDB3 (LIM domain binding 3; plus strand). Cytogenetic location: 10q23.2.
Variant type: single nucleotide variant.
Coding change: c.-24+5G>C on transcript NM_007078.3 (MANE Select); 5 bases into the intron after 24 bases upstream of the start codon, G replaced by C.
Molecular consequence: intron variant. On other transcripts: 5 prime UTR variant (1).
Genome position (GRCh38, 1-based): chr10:86,668,575, G>C. VCF-style: chr10-86668575-G-C. GRCh37 (hg19) VCF-style: chr10-88428332-G-C.
Other names: c.-117G>C (NM_001080116.1); c.-23-94G>C (NM_001368064.1, NM_001368063.1, NM_001368068.1); c.-24+5G>C (NM_001171610.2, NM_001368065.1, NM_001368066.1 and 4 more transcripts).
Identifiers: ClinVar variation 1307964 (VCV001307964.2), dbSNP rs759847996, ClinGen allele CA211198148.